The following is an entry in ClinVar:

ClinVar aggregate classification (germline): Uncertain significance (1 of 4 stars; one submission).

Conditions:
Sphingolipid activator protein 1 deficiency. Also called: Saposin B Deficiency; Metachromatic leukodystrophy due to saposin B deficiency; METACHROMATIC LEUKODYSTROPHY DUE TO CEREBROSIDE SULFATASE ACTIVATOR DEFICIENCY. Identifiers: Orphanet 512, MedGen C0268262, MONDO:0009590, OMIM 249900.

Allele frequency attached by ClinVar (database versions not stated): gnomAD exomes below 0.00001; TOPMed 0.00001.
gnomAD v4.1: 3 of 1,613,990 alleles (0.00019%); highest among the groups gnomAD compares: Non-Finnish European, 0.00017%; no homozygotes.

Submission:

Labcorp Genetics (formerly Invitae), Labcorp
Classification: Uncertain significance for Sphingolipid activator protein 1 deficiency. Last evaluated: 2022-09-06. Review status: criteria provided, single submitter. Criteria: Invitae Variant Classification Sherloc (09022015). Collection method: clinical testing. Allele origin: germline.
Comment: In summary, the available evidence is currently insufficient to determine the role of this variant in disease. Therefore, it has been classified as a Variant of Uncertain Significance. Algorithms developed to predict the effect of missense changes on protein structure and function are either unavailable or do not agree on the potential impact of this missense change (SIFT: "Not Available"; PolyPhen-2: "Benign"; Align-GVGD: "Not Available"). ClinVar contains an entry for this variant (Variation ID: 1442678). This variant has not been reported in the literature in individuals affected with PSAP-related conditions. This variant is not present in population databases (gnomAD no frequency). This sequence change replaces proline, which is neutral and non-polar, with alanine, which is neutral and non-polar, at codon 18 of the PSAP protein (p.Pro18Ala).

NM_002778.4(PSAP):c.52C>G (p.Pro18Ala)

Gene: PSAP (prosaposin; minus strand). Cytogenetic location: 10q22.1.
Variant type: single nucleotide variant.
Coding change: c.52C>G on transcript NM_002778.4 (MANE Select); coding-DNA position 52, C replaced by G.
Protein change: p.Pro18Ala; replaces proline 18 with alanine.
Molecular consequence: missense variant.
Genome position (GRCh38, 1-based): chr10:71,834,494, G>C on the plus strand (C>G on the coding strand, the complement: PSAP is on the minus strand). VCF-style: chr10-71834494-G-C. GRCh37 (hg19) VCF-style: chr10-73594251-G-C.
Other names: c.52C>G, p.Pro18Ala (NM_001042465.3, NM_001042466.3); short protein forms P18A.
Identifiers: ClinVar variation 1442678 (VCV001442678.6), dbSNP rs920658754, ClinGen allele CA209472135.